The following is an entry in ClinVar:

ClinVar aggregate classification (germline): Likely benign (0 of 4 stars; one submission).

Conditions:
CCAR2-related disorder. Also called: CCAR2-related condition.

Allele frequency attached by ClinVar (database versions not stated): ExAC 0.00016; gnomAD 0.00018; 1000 Genomes Project 0.00060; 1000 Genomes Project 30x 0.00062.
gnomAD v4.1: 152 of 1,613,992 alleles (0.0094%); highest among the groups gnomAD compares: East Asian, 0.12%; no homozygotes.

Submission:

PreventionGenetics, part of Exact Sciences
Classification: Likely benign for CCAR2-related condition. Last evaluated: 2019-05-24. Review status: no assertion criteria provided. Collection method: clinical testing. Allele origin: germline.
Comment: This variant is classified as likely benign based on ACMG/AMP sequence variant interpretation guidelines (Richards et al. 2015 PMID: 25741868, with internal and published modifications).

NM_001393997.1(CCAR2):c.2316C>T (p.Pro772=)

Gene: CCAR2 (cell cycle and apoptosis regulator 2; plus strand). Cytogenetic location: 8p21.3.
Variant type: single nucleotide variant.
Coding change: c.2316C>T on transcript NM_001393997.1 (MANE Select); coding-DNA position 2316, C replaced by T.
Protein change: p.Pro772=; no amino-acid change (proline 772 retained).
Molecular consequence: synonymous variant.
Genome position (GRCh38, 1-based): chr8:22,618,712, C>T. VCF-style: chr8-22618712-C-T. GRCh37 (hg19) VCF-style: chr8-22476225-C-T.
Other names: c.2313C>T, p.Pro771= (NM_001363068.2, NM_001363069.2); c.2316C>T, p.Pro772= (NM_021174.6).
Identifiers: ClinVar variation 3044794 (VCV003044794.2), dbSNP rs200172196, ClinGen allele CA4671105.